The following is an entry in ClinVar:

ClinVar aggregate classification (germline): Pathogenic (1 of 4 stars; one submission).

Conditions:
CHARGE syndrome (CHARGE). Also called: Coloboma, heart anomaly, choanal atresia, retardation, genital and ear anomalies; CHARGE association; Hall-Hittner syndrome; Hittner Hirsch Kreh syndrome; CHARGE ASSOCIATION--COLOBOMA, HEART ANOMALY, CHOANAL ATRESIA, RETARDATION, GENITAL AND EAR ANOMALIES. Identifiers: Orphanet 138, MedGen C0265354, MONDO:0008965.

Submission:

Labcorp Genetics (formerly Invitae), Labcorp
Classification: Pathogenic for CHARGE syndrome. Last evaluated: 2022-08-16. Review status: criteria provided, single submitter. Criteria: Invitae Variant Classification Sherloc (09022015). Collection method: clinical testing. Allele origin: germline.
Comment: For these reasons, this variant has been classified as Pathogenic. Algorithms developed to predict the effect of sequence changes on RNA splicing suggest that this variant may disrupt the consensus splice site. ClinVar contains an entry for this variant (Variation ID: 1454176). Disruption of this splice site has been observed in individuals with CHARGE syndrome (PMID: 18073582; Invitae). This variant is not present in population databases (gnomAD no frequency). This sequence change affects an acceptor splice site in intron 29 of the CHD7 gene. It is expected to disrupt RNA splicing. Variants that disrupt the donor or acceptor splice site typically lead to a loss of protein function (PMID: 16199547), and loss-of-function variants in CHD7 are known to be pathogenic (PMID: 22461308, 25077900).

Literature cited by the submitters: PubMed 18073582; PubMed 16199547; PubMed 22461308; PubMed 25077900.

NM_017780.4(CHD7):c.5895-2A>T

Gene: CHD7 (chromodomain helicase DNA binding protein 7; plus strand). Cytogenetic location: 8q12.2.
Variant type: single nucleotide variant.
Coding change: c.5895-2A>T on transcript NM_017780.4 (MANE Select); the canonical splice acceptor site of the intron before coding-DNA position 5895, A replaced by T.
Molecular consequence: splice acceptor variant. On other transcripts: intron variant (1).
Genome position (GRCh38, 1-based): chr8:60,852,496, A>T. VCF-style: chr8-60852496-A-T. GRCh37 (hg19) VCF-style: chr8-61765055-A-T.
Other names: c.1717-9733A>T (NM_001316690.1).
Identifiers: ClinVar variation 1454176 (VCV001454176.8), dbSNP rs2150808631, ClinGen allele CA371323580.